The following is an entry in ClinVar:

NM_144988.4(ALG14):c.476T>C (p.Leu159Pro)

Gene: ALG14 (ALG14 UDP-N-acetylglucosaminyltransferase subunit; minus strand). Cytogenetic location: 1p21.3.
Variant type: single nucleotide variant.
Coding change: c.476T>C on transcript NM_144988.4 (MANE Select); coding-DNA position 476, T replaced by C.
Protein change: p.Leu159Pro; replaces leucine 159 with proline.
Molecular consequence: missense variant. On other transcripts: 3 prime UTR variant (1), non-coding transcript variant (1).
Genome position (GRCh38, 1-based): chr1:94,983,251, A>G on the plus strand (T>C on the coding strand, the complement: ALG14 is on the minus strand). VCF-style: chr1-94983251-A-G. GRCh37 (hg19) VCF-style: chr1-95448807-A-G.
Other names: c.*45T>C (NM_001305242.2); c.476T>C (NM_144988.3); short protein forms L159P.
Identifiers: ClinVar variation 1421403 (VCV001421403.3), dbSNP rs746850097, ClinGen allele CA961768.

ClinVar aggregate classification (germline): Uncertain significance. Review status: criteria provided, multiple submitters, no conflicts (2 of 4 stars). 2 submissions from 2 submitters: Uncertain significance (2). Last evaluated 2023-05-17.

Conditions:
Congenital myasthenic syndrome 15. Also called: Myasthenic syndrome, congenital, 15, without tubular aggregates. Identifiers: Orphanet 353327, Orphanet 590, MedGen C4015596, MONDO:0014542, OMIM 616227.
ALG14-related disorder. Also called: ALG14-related condition.

Allele frequency attached by ClinVar (database versions not stated): ExAC 0.00001; gnomAD exomes 0.00001 and 0.00002; TOPMed 0.00002.
gnomAD v4.1: 5 of 1,614,200 alleles (0.00031%); highest among the groups gnomAD compares: Admixed American, 0.0083%; no homozygotes.

Submissions (2):

PreventionGenetics, part of Exact Sciences
Classification: Uncertain significance for ALG14-related condition. Last evaluated: 2023-05-17. Review status: criteria provided, single submitter. Criteria: ACMG Guidelines, 2015. Collection method: clinical testing. Allele origin: germline.
Comment: The ALG14 c.476T>C variant is predicted to result in the amino acid substitution p.Leu159Pro. To our knowledge, this variant has not been reported in the literature. This variant is reported in 0.014% of alleles in individuals of Latino descent in gnomAD. At this time, the clinical significance of this variant is uncertain due to the absence of conclusive functional and genetic evidence.

Labcorp Genetics (formerly Invitae), Labcorp
Classification: Uncertain significance for Congenital myasthenic syndrome 15. Last evaluated: 2022-08-19. Review status: criteria provided, single submitter. Criteria: Invitae Variant Classification Sherloc (09022015). Collection method: clinical testing. Allele origin: germline.
Comment: This sequence change replaces leucine, which is neutral and non-polar, with proline, which is neutral and non-polar, at codon 159 of the ALG14 protein (p.Leu159Pro). This variant is present in population databases (rs746850097, gnomAD 0.01%). This variant has not been reported in the literature in individuals affected with ALG14-related conditions. ClinVar contains an entry for this variant (Variation ID: 1421403). Algorithms developed to predict the effect of missense changes on protein structure and function are either unavailable or do not agree on the potential impact of this missense change (SIFT: "Deleterious"; PolyPhen-2: "Probably Damaging"; Align-GVGD: "Class C15"). In summary, the available evidence is currently insufficient to determine the role of this variant in disease. Therefore, it has been classified as a Variant of Uncertain Significance.